The following is an entry in ClinVar:

NM_000334.4(SCN4A):c.2483G>A (p.Arg828His)

Genes: GH-LCR (growth hormone locus control region; plus strand), SCN4A (sodium voltage-gated channel alpha subunit 4; minus strand). Cytogenetic location: 17q23.3.
Variant type: single nucleotide variant.
Coding change: c.2483G>A on transcript NM_000334.4 (MANE Select); coding-DNA position 2483, G replaced by A.
Protein change: p.Arg828His; replaces arginine 828 with histidine.
Molecular consequence: missense variant.
Genome position (GRCh38, 1-based): chr17:63,951,794, C>T on the plus strand (G>A on the coding strand, the complement: SCN4A is on the minus strand). VCF-style: chr17-63951794-C-T. GRCh37 (hg19) VCF-style: chr17-62029154-C-T.
Other names: short protein forms R828H.
Identifiers: ClinVar variation 890718 (VCV000890718.11), dbSNP rs556099012, ClinGen allele CA8709571.
Genomic context (GRCh38, chr17:63,951,794, plus strand): 5'-ATCTTGCCATGCAGCAGCCCCAGGAGGAAGGCCTTGGCAAAGCCGATGCCCAACTTGATG[C>T]GCCCGATGGCAATCTGCAGGTTGTTCATCTCGCCATCCTCATCCGAGGCTGCCAGACTGT-3'
Protein context (NP_000325.4, residues 818-838): EMNNLQIAIG[Arg828His]IKLGIGFAKA

ClinVar aggregate classification (germline): Uncertain significance. Review status: criteria provided, multiple submitters, no conflicts (2 of 4 stars). 9 submissions from 5 submitters: Uncertain significance (9). Last evaluated 2025-10-21.

Conditions:
Paramyotonia congenita of Von Eulenburg. Also called: PARALYSIS PERIODICA PARAMYOTONICA; Eulenburg disease; Myotonia congenita intermittens; Von Eulenburg paramyotonia congenita; Paramyotonia Congenita. Identifiers: Orphanet 684, MedGen C0221055, MONDO:0008195, OMIM 168300. Disease mechanism: loss of function.
Congenital myasthenic syndrome 16. Identifiers: Orphanet 590, MedGen C3280112, MONDO:0013620, OMIM 614198.
Hypokalemic periodic paralysis, type 1. Also called: HypoPP; Hypokalemic Periodic Paralysis Type 1 (AD). Identifiers: Orphanet 681, MedGen C3714580, MONDO:0042979, OMIM 170400.
Hypokalemic periodic paralysis, type 2 (HOKPP2). Identifiers: Orphanet 681, MedGen C2750061, MONDO:0013234, OMIM 613345.
Potassium-aggravated myotonia. Also called: Myotonia congenita, atypical, acetazolamide-responsive; MYOTONIA CONGENITA, ACETAZOLAMIDE-RESPONSIVE; MYOTONIA CONGENITA, ATYPICAL; SODIUM CHANNEL MUSCLE DISEASE. Identifiers: Orphanet 612, Orphanet 99734, Orphanet 99735, Orphanet 99736, MedGen C2931826, MONDO:0018959, OMIM 608390.
Hyperkalemic periodic paralysis. Also called: Gamstorp disease; Familial hyperkalemic periodic paralysis. Identifiers: Orphanet 682, MedGen C0238357, MONDO:0008224, OMIM 170500, HP:0007215.

Allele frequency attached by ClinVar (database versions not stated): TOPMed 0.00001; gnomAD exomes 0.00002; 1000 Genomes Project 0.00020; ExAC 0.00005; 1000 Genomes Project 30x 0.00016.
gnomAD v4.1: 37 of 1,583,302 alleles (0.0023%); highest among the groups gnomAD compares: African/African-American, 0.0054%; no homozygotes.

Submissions (9):

Labcorp Genetics (formerly Invitae), Labcorp
Classification: Uncertain significance for Hyperkalemic periodic paralysis. Last evaluated: 2025-10-21. Review status: criteria provided, single submitter. Criteria: Invitae Variant Classification Sherloc (09022015). Collection method: clinical testing. Allele origin: germline.
Comment: This sequence change replaces arginine, which is basic and polar, with histidine, which is basic and polar, at codon 828 of the SCN4A protein (p.Arg828His). The frequency data for this variant in the population databases is considered unreliable, as metrics indicate poor data quality at this position in the gnomAD database. This variant has not been reported in the literature in individuals affected with SCN4A-related conditions. ClinVar contains an entry for this variant (Variation ID: 890718). Invitae Evidence Modeling of protein sequence and biophysical properties (such as structural, functional, and spatial information, amino acid conservation, physicochemical variation, residue mobility, and thermodynamic stability) indicates that this missense variant is expected to disrupt SCN4A protein function with a positive predictive value of 80%. In summary, the available evidence is currently insufficient to determine the role of this variant in disease. Therefore, it has been classified as a Variant of Uncertain Significance.

Revvity Omics, Revvity
Classification: Uncertain significance. Last evaluated: 2023-01-11. Review status: criteria provided, single submitter. Criteria: ACMG Guidelines, 2015. Collection method: clinical testing. Allele origin: germline.

GeneDx
Classification: Uncertain significance. Last evaluated: 2022-09-23. Review status: criteria provided, single submitter. Criteria: GeneDx Variant Classification Process June 2021. Collection method: clinical testing. Allele origin: germline. Affected: yes.
Comment: Not observed at significant frequency in large population cohorts (gnomAD); In silico analysis supports that this missense variant has a deleterious effect on protein structure/function; Has not been previously published as pathogenic or benign to our knowledge

Fulgent Genetics
Classification: Uncertain significance for Paramyotonia congenita of Von Eulenburg; Hypokalemic periodic paralysis, type 1; Hyperkalemic periodic paralysis; Potassium-aggravated myotonia; Hypokalemic periodic paralysis, type 2; Congenital myasthenic syndrome 16. Last evaluated: 2022-01-04. Review status: criteria provided, single submitter. Criteria: ACMG Guidelines, 2015. Collection method: clinical testing. Allele origin: unknown.

Illumina Laboratory Services, Illumina
Classification: Uncertain significance for Hypokalemic periodic paralysis, type 2. Last evaluated: 2018-01-13. Review status: criteria provided, single submitter. Criteria: ICSL Variant Classification Criteria 13 December 2019. Collection method: clinical testing. Allele origin: germline.

Illumina Laboratory Services, Illumina
Classification: Uncertain significance for Congenital myasthenic syndrome 16. Last evaluated: 2018-01-13. Review status: criteria provided, single submitter. Criteria: ICSL Variant Classification Criteria 13 December 2019. Collection method: clinical testing. Allele origin: germline.

Illumina Laboratory Services, Illumina
Classification: Uncertain significance for Paramyotonia congenita of Von Eulenburg. Last evaluated: 2018-01-13. Review status: criteria provided, single submitter. Criteria: ICSL Variant Classification Criteria 13 December 2019. Collection method: clinical testing. Allele origin: germline.

Illumina Laboratory Services, Illumina
Classification: Uncertain significance for Potassium-aggravated myotonia. Last evaluated: 2018-01-13. Review status: criteria provided, single submitter. Criteria: ICSL Variant Classification Criteria 13 December 2019. Collection method: clinical testing. Allele origin: germline.

Illumina Laboratory Services, Illumina
Classification: Uncertain significance for Hyperkalemic periodic paralysis. Last evaluated: 2018-01-13. Review status: criteria provided, single submitter. Criteria: ICSL Variant Classification Criteria 13 December 2019. Collection method: clinical testing. Allele origin: germline.